The following is an entry in ClinVar:

ClinVar aggregate classification (germline): Benign/Likely benign. Review status: criteria provided, multiple submitters, no conflicts (2 of 4 stars). 5 submissions from 5 submitters: Benign (1); Likely benign (4). Last evaluated 2025-08-14.

Conditions:
Cardiovascular phenotype. Identifiers: MedGen CN230736.
Familial hypercholesterolemia. Also called: Familial hypercholesterolemias; Familial hypercholesterolaemia. Identifiers: MedGen C0020445, MONDO:0005439.
Hypercholesterolemia, autosomal dominant, 3 (FHCL3). Also called: Familial hypercholesterolemia 3; Familial Hypercholesterolemia, Autosomal Dominant, 3; PCSK9-Related Familial Hypercholesterolemia, Autosomal Dominant. Identifiers: MedGen C1863551, MONDO:0011369, OMIM 603776.

Allele frequency attached by ClinVar (database versions not stated): gnomAD exomes 0.00002; TOPMed 0.00015; ESP Exome Variant Server 0.00023; 1000 Genomes Project 0.00060; 1000 Genomes Project 30x 0.00078.
gnomAD v4.1: 55 of 1,614,136 alleles (0.0034%); highest among the groups gnomAD compares: African/African-American, 0.037%; no homozygotes.

Submissions (5):

Labcorp Genetics (formerly Invitae), Labcorp
Classification: Likely benign for Hypercholesterolemia, autosomal dominant, 3. Last evaluated: 2025-08-14. Review status: criteria provided, single submitter. Criteria: Invitae Variant Classification Sherloc (09022015). Collection method: clinical testing. Allele origin: germline.

Women's Health and Genetics/Laboratory Corporation of America, LabCorp
Classification: Benign. Last evaluated: 2024-01-28. Review status: criteria provided, single submitter. Criteria: LabCorp Variant Classification Summary - May 2015. Collection method: clinical testing. Allele origin: germline.

All of Us Research Program, National Institutes of Health
Classification: Likely benign for Hypercholesterolemia, autosomal dominant, 3. Last evaluated: 2023-12-13. Review status: criteria provided, single submitter. Criteria: ACMG Guidelines, 2015. Collection method: clinical testing. Allele origin: germline. Inheritance: Autosomal dominant inheritance. Observed: 11 variant alleles, 11 heterozygotes.
Comment: This study involves interpretation of variants in research participants for the purpose of population health screening. Participant phenotype was not available at the time of variant classification. Additional details can be found in publication PMID: 35346344, PMCID: PMC8962531

Ambry Genetics
Classification: Likely benign for Cardiovascular phenotype. Last evaluated: 2022-03-17. Review status: criteria provided, single submitter. Criteria: Ambry Variant Classification Scheme 2023. Collection method: clinical testing. Allele origin: germline.

Color Diagnostics, LLC DBA Color Health
Classification: Likely benign for Familial hypercholesterolemia. Last evaluated: 2018-11-14. Review status: criteria provided, single submitter. Criteria: ACMG Guidelines, 2015. Collection method: clinical testing. Allele origin: germline.

NM_174936.4(PCSK9):c.1959G>A (p.Thr653=)

Gene: PCSK9 (proprotein convertase subtilisin/kexin type 9; plus strand). Cytogenetic location: 1p32.3.
Variant type: single nucleotide variant.
Coding change: c.1959G>A on transcript NM_174936.4 (MANE Select); coding-DNA position 1959, G replaced by A.
Protein change: p.Thr653=; no amino-acid change (threonine 653 retained).
Molecular consequence: synonymous variant. On other transcripts: non-coding transcript variant (8).
Genome position (GRCh38, 1-based): chr1:55,063,464, G>A. VCF-style: chr1-55063464-G-A. GRCh37 (hg19) VCF-style: chr1-55529137-G-A.
Other names: c.2082G>A, p.Thr694= (NM_001407240.1); c.2001G>A, p.Thr667= (NM_001407241.1); c.1962G>A, p.Thr654= (NM_001407242.1); c.1902G>A, p.Thr634= (NM_001407243.1); c.1785G>A, p.Thr595= (NM_001407244.1); c.1767G>A, p.Thr589= (NM_001407245.1); c.1584G>A, p.Thr528= (NM_001407246.1); c.1458G>A, p.Thr486= (NM_001407247.1).
Identifiers: ClinVar variation 922593 (VCV000922593.16), dbSNP rs139894975, ClinGen allele CA039903.
Genomic context (GRCh38, chr1:55,063,464, plus strand): 5'-TGGCTGCAGTGCCCTCCCTGGGACCTCCCACGTCCTGGGGGCCTACGCCGTAGACAACAC[G>A]TGTGTAGTCAGGAGCCGGGACGTCAGCACTACAGGCAGCACCAGCGAAGGGGCCGTGACA-3'
Protein context (NP_777596.2, residues 643-663): HVLGAYAVDN[Thr653=]CVVRSRDVST